The following is an entry in ClinVar:

ClinVar aggregate classification (germline): Uncertain significance (1 of 4 stars; one submission).

Submission:

Laboratory for Molecular Medicine, Mass General Brigham Personalized Medicine
Classification: Uncertain significance. Last evaluated: 2017-08-23. Review status: criteria provided, single submitter. Criteria: LMM Criteria. Collection method: clinical testing. Allele origin: germline. Observed: 1 variant allele.
Comment: The c.(?_49)_(168_?)del variant in RYR2 results in a deletion of exon 2 and has not been previously reported in the literature. A deletion of exon 2 results in the loss of 40 amino acids, but does not impact the reading frame, and is thus e xpected to result in a protein with a loss of 40 amino acids. Most variants in R YR2 causing CPVT are missense and are expected to be gain-of-function. Of note, deletion of exon 3 has been reported in several individuals with CPVT and some i ndividuals who also had LVNC. Deletion of exon 3 results in an in-frame loss of 35 amino acids, and functional studies suggest that the exon 3 deletion variant also has gain-of-function impact on the RYR2 protein (Tang 2012, Liu 2014). Howe ver, it is unclear if deletion of exon 2 would have a similar effect. In summary , due to the lack of available information, the clinical significance of the c.( ?_49)_(168_?)del variant (exon 2 deletion) is uncertain.

Literature cited by the submitters: PubMed 24743769; PubMed 22374134.

NM_001035.2(RYR2):c.(?_49)_(168_?)del

Gene: RYR2 (ryanodine receptor 2; plus strand). Cytogenetic location: 1q43.
Variant type: Deletion.
Coding change: c.(?_49)_(168_?)del on transcript NM_001035.2; a large deletion whose breakpoints are not mapped to the base.
Identifiers: ClinVar variation 517525 (VCV000517525.5).